The following is an entry in ClinVar:

ClinVar aggregate classification (germline): Uncertain significance (1 of 4 stars; one submission).

Submission:

Labcorp Genetics (formerly Invitae), Labcorp
Classification: Uncertain significance. Last evaluated: 2023-08-10. Review status: criteria provided, single submitter. Criteria: Invitae Variant Classification Sherloc (09022015). Collection method: clinical testing. Allele origin: germline.
Comment: ClinVar contains an entry for this variant (Variation ID: 2060363). In summary, the available evidence is currently insufficient to determine the role of this variant in disease. Therefore, it has been classified as a Variant of Uncertain Significance. Experimental studies and prediction algorithms are not available or were not evaluated, and the functional significance of this variant is currently unknown. This variant has not been reported in the literature in individuals affected with GRIN2D-related conditions. The frequency data for this variant in the population databases is considered unreliable, as metrics indicate insufficient coverage at this position in the gnomAD database. This variant, c.3112_3126del, results in the deletion of 5 amino acid(s) of the GRIN2D protein (p.Ala1038_Gly1042del), but otherwise preserves the integrity of the reading frame.

NM_000836.4(GRIN2D):c.3112_3126del (p.Ala1038_Gly1042del)

Gene: GRIN2D (glutamate ionotropic receptor NMDA type subunit 2D; plus strand). Cytogenetic location: 19q13.33.
Variant type: Deletion.
Coding change: c.3112_3126del on transcript NM_000836.4 (MANE Select); coding-DNA positions 3112 to 3126, 15 bases deleted (GCCACCGCCGTCGGG).
Protein change: p.Ala1038_Gly1042del.
Molecular consequence: inframe deletion.
Genome position (GRCh38, 1-based): chr19:48,443,038-48,443,052, GCCACCGCCGTCGGG deleted; deleting any 15 consecutive bases within chr19:48,443,037-48,443,052 gives the same sequence; the c. name uses the placement nearest the transcript's 3' end. VCF-style (leftmost placement, unchanged base first): chr19-48443036-CGGCCACCGCCGTCGG-C. GRCh37 (hg19) VCF-style: chr19-48946293-CGGCCACCGCCGTCGG-C.
Identifiers: ClinVar variation 2060363 (VCV002060363.4), dbSNP rs2513692520, ClinGen allele CA2580097483.
Genomic context (GRCh38, chr19:48,443,036, plus strand): 5'-CCGAGCCCCCCGCCGGCGCCTTCCCCGGCTTCCCGTCGCCGCCCGCGCCCCCCGCCGCCG[CGGCCACCGCCGTCGG>C]GCCGCCACTCTGCCGCTTGGCCTTCGAGGACGAGAGCCCGCCGGCGCCCGCGCGGTGGCC-3'